The following is an entry in ClinVar:

NM_006506.5(RASA2):c.772T>C (p.Trp258Arg)

Gene: RASA2 (RAS p21 protein activator 2; plus strand). Cytogenetic location: 3q23.
Variant type: single nucleotide variant.
Coding change: c.772T>C on transcript NM_006506.5 (MANE Select); coding-DNA position 772, T replaced by C.
Protein change: p.Trp258Arg; replaces tryptophan 258 with arginine.
Molecular consequence: missense variant.
Genome position (GRCh38, 1-based): chr3:141,559,904, T>C. VCF-style: chr3-141559904-T-C. GRCh37 (hg19) VCF-style: chr3-141278746-T-C.
Other names: c.772T>C (NM_006506.2); c.772T>C, p.Trp258Arg (NM_001303245.3, NM_001303246.3); short protein forms W258R.
Identifiers: ClinVar variation 1931300 (VCV001931300.6), dbSNP rs1209142920, ClinGen allele CA354772995.

ClinVar aggregate classification (germline): Uncertain significance. Review status: criteria provided, multiple submitters, no conflicts (2 of 4 stars). 2 submissions from 2 submitters: Uncertain significance (2). Last evaluated 2023-12-23.

Allele frequency attached by ClinVar (database versions not stated): gnomAD exomes 0.00003.
gnomAD v4.1: 37 of 1,613,058 alleles (0.0023%); highest among the groups gnomAD compares: Non-Finnish European, 0.0031%; no homozygotes.

Submissions (2):

Labcorp Genetics (formerly Invitae), Labcorp
Classification: Uncertain significance. Last evaluated: 2023-12-23. Review status: criteria provided, single submitter. Criteria: Invitae Variant Classification Sherloc (09022015). Collection method: clinical testing. Allele origin: germline.
Comment: This sequence change replaces tryptophan, which is neutral and slightly polar, with arginine, which is basic and polar, at codon 258 of the RASA2 protein (p.Trp258Arg). This variant is present in population databases (no rsID available, gnomAD 0.002%). This variant has not been reported in the literature in individuals affected with RASA2-related conditions. ClinVar contains an entry for this variant (Variation ID: 1931300). Advanced modeling of protein sequence and biophysical properties (such as structural, functional, and spatial information, amino acid conservation, physicochemical variation, residue mobility, and thermodynamic stability) performed at Invitae indicates that this missense variant is expected to disrupt RASA2 protein function with a positive predictive value of 80%. In summary, the available evidence is currently insufficient to determine the role of this variant in disease. Therefore, it has been classified as a Variant of Uncertain Significance.

Ambry Genetics
Classification: Uncertain significance. Last evaluated: 2023-12-10. Review status: criteria provided, single submitter. Criteria: Ambry Variant Classification Scheme 2023. Collection method: clinical testing. Allele origin: germline.
Comment: The p.W258R variant (also known as c.772T>C), located in coding exon 9 of the RASA2 gene, results from a T to C substitution at nucleotide position 772. The tryptophan at codon 258 is replaced by arginine, an amino acid with dissimilar properties. This amino acid position is conserved. In addition, this alteration is predicted to be deleterious by in silico analysis. Since supporting evidence is limited at this time, the clinical significance of this alteration remains unclear.